The following is an entry in ClinVar:

ClinVar aggregate classification (germline): Likely benign. Review status: criteria provided, multiple submitters, no conflicts (2 of 4 stars). 3 submissions from 3 submitters: Likely benign (3). Last evaluated 2025-04-29.

Conditions:
Familial thoracic aortic aneurysm and aortic dissection (TAAD). Also called: Thoracic aortic aneurysms and dissections. Identifiers: Orphanet 91387, MedGen C4707243, MONDO:0019625.
Marfan syndrome (MFS). Also called: Marfan syndrome, classic; Marfan syndrome type 1; Marfan's syndrome; MARFAN SYNDROME, TYPE I; FBN1-Related Marfan Syndrome. Identifiers: Orphanet 284963, Orphanet 558, MedGen C0024796, MONDO:0007947, OMIM 154700.

Allele frequency attached by ClinVar (database versions not stated): TOPMed 0.00001.

Submissions (3):

Labcorp Genetics (formerly Invitae), Labcorp
Classification: Likely benign for Marfan syndrome; Familial thoracic aortic aneurysm and aortic dissection. Last evaluated: 2025-04-29. Review status: criteria provided, single submitter. Criteria: Invitae Variant Classification Sherloc (09022015). Collection method: clinical testing. Allele origin: germline.

Ambry Genetics
Classification: Likely benign for Familial thoracic aortic aneurysm and aortic dissection. Last evaluated: 2024-01-13. Review status: criteria provided, single submitter. Criteria: Ambry Variant Classification Scheme 2023. Collection method: clinical testing. Allele origin: germline.

GeneDx
Classification: Likely benign. Last evaluated: 2016-04-11. Review status: criteria provided, single submitter. Criteria: GeneDx Variant Classification (06012015). Collection method: clinical testing. Allele origin: germline. Affected: yes.
Comment: This variant is considered likely benign or benign based on one or more of the following criteria: it is a conservative change, it occurs at a poorly conserved position in the protein, it is predicted to be benign by multiple in silico algorithms, and/or has population frequency not consistent with disease.

NM_000138.5(FBN1):c.27C>T (p.Ile9=)

Gene: FBN1 (fibrillin 1; minus strand). Cytogenetic location: 15q21.1.
Variant type: single nucleotide variant.
Coding change: c.27C>T on transcript NM_000138.5 (MANE Select); coding-DNA position 27, C replaced by T.
Protein change: p.Ile9=; no amino-acid change (isoleucine 9 retained).
Molecular consequence: synonymous variant.
Genome position (GRCh38, 1-based): chr15:48,644,743, G>A on the plus strand (C>T on the coding strand, the complement: FBN1 is on the minus strand). VCF-style: chr15-48644743-G-A. GRCh37 (hg19) VCF-style: chr15-48936940-G-A.
Identifiers: ClinVar variation 385381 (VCV000385381.9), dbSNP rs1057522209, ClinGen allele CA16607820.